The following is an entry in ClinVar:

ClinVar aggregate classification (germline): Uncertain significance (1 of 4 stars; one submission).

Conditions:
Cardiovascular phenotype. Identifiers: MedGen CN230736.

gnomAD v4.1: 2 of 1,612,488 alleles (0.00012%); highest among the groups gnomAD compares: Middle Eastern, 0.017%; no homozygotes.

Submission:

Ambry Genetics
Classification: Uncertain significance for Cardiovascular phenotype. Last evaluated: 2021-11-02. Review status: criteria provided, single submitter. Criteria: Ambry Variant Classification Scheme 2023. Collection method: clinical testing. Allele origin: germline.
Comment: The p.G88W variant (also known as c.262G>T), located in coding exon 1 of the RASA1 gene, results from a G to T substitution at nucleotide position 262. The glycine at codon 88 is replaced by tryptophan, an amino acid with highly dissimilar properties. This amino acid position is conserved. In addition, this alteration is predicted to be tolerated by in silico analysis. Since supporting evidence is limited at this time, the clinical significance of this alteration remains unclear.

NM_002890.3(RASA1):c.262G>T (p.Gly88Trp)

Gene: RASA1 (RAS p21 protein activator 1; plus strand). Cytogenetic location: 5q14.3.
Variant type: single nucleotide variant.
Coding change: c.262G>T on transcript NM_002890.3 (MANE Select); coding-DNA position 262, G replaced by T.
Protein change: p.Gly88Trp; replaces glycine 88 with tryptophan.
Molecular consequence: missense variant.
Genome position (GRCh38, 1-based): chr5:87,268,713, G>T. VCF-style: chr5-87268713-G-T. GRCh37 (hg19) VCF-style: chr5-86564530-G-T.
Other names: short protein forms G88W.
Identifiers: ClinVar variation 1794038 (VCV001794038.2), dbSNP rs369735817, ClinGen allele CA360417066.
Genomic context (GRCh38, chr5:87,268,713, plus strand): 5'-GGGTCAGAGTTCCTAGGAGCCGGGTCTGTGGCAGGGGCACTGGGGGGAGCTGGACTGACA[G>T]GGGGAGGTACTGCTGCTGGCGTAGCTGGTGCTGCTGCTGGCGTGGCCGGTGCTGCTGTTG-3'
Protein context (NP_002881.1, residues 78-98): AGALGGAGLT[Gly88Trp]GGTAAGVAGA